The following is an entry in ClinVar:

ClinVar aggregate classification (germline): Pathogenic. Review status: criteria provided, multiple submitters, no conflicts (2 of 4 stars). 8 submissions from 8 submitters: Pathogenic (6). 2 of the submissions do not count toward it. Last evaluated 2026-05-01.

Conditions:
Breast and/or ovarian cancer. Identifiers: MedGen CN221562.
Hereditary cancer-predisposing syndrome. Also called: Tumor predisposition; Hereditary neoplastic syndrome; Hereditary Cancer Syndrome; Neoplastic Syndromes, Hereditary. Identifiers: Orphanet 140162, MedGen C0027672, MeSH D009386, MONDO:0015356.
Familial cancer of breast. Also called: Hereditary breast cancer; hereditary breast carcinoma; BREAST CANCER, FAMILIAL. Identifiers: Orphanet 227535, MedGen C0346153, MONDO:0016419, OMIM 114480. Disease mechanism: loss of function.
Malignant tumor of breast. Also called: Cancer breast; Malignant breast neoplasm. Identifiers: MedGen C0006142, MONDO:0007254. Disease mechanism: loss of function.

Submissions (8):

CeGaT Center for Human Genetics Tuebingen
Classification: Pathogenic. Last evaluated: 2026-05-01. Review status: criteria provided, single submitter. Criteria: CeGaT Center For Human Genetics Tuebingen Variant Classification Criteria Version 2. Collection method: clinical testing. Allele origin: germline. Affected: yes. Observed: 3 variant alleles.
Comment: PALB2: PVS1, PM2

Labcorp Genetics (formerly Invitae), Labcorp
Classification: Pathogenic for Familial cancer of breast. Last evaluated: 2024-04-15. Review status: criteria provided, single submitter. Criteria: Invitae Variant Classification Sherloc (09022015). Collection method: clinical testing. Allele origin: germline.
Comment: This sequence change creates a premature translational stop signal (p.Asp219Thrfs*4) in the PALB2 gene. It is expected to result in an absent or disrupted protein product. Loss-of-function variants in PALB2 are known to be pathogenic (PMID: 17200668, 17200671, 17200672, 24136930, 25099575). This variant is present in population databases (rs587781697, gnomAD 0.0009%). This variant has not been reported in the literature in individuals affected with PALB2-related conditions. ClinVar contains an entry for this variant (Variation ID: 141372). For these reasons, this variant has been classified as Pathogenic.

Myriad Genetics, Inc.
Classification: Pathogenic for Familial cancer of breast. Last evaluated: 2023-09-06. Review status: criteria provided, single submitter. Criteria: Myriad Autosomal Dominant, Autosomal Recessive and X-Linked Classification Criteria (2023). Collection method: clinical testing. Allele origin: unknown.
Comment: This variant is considered pathogenic. This variant creates a frameshift predicted to result in premature protein truncation.

Ambry Genetics
Classification: Pathogenic for Hereditary cancer-predisposing syndrome. Last evaluated: 2023-01-05. Review status: criteria provided, single submitter. Criteria: Ambry Variant Classification Scheme 2023. Collection method: clinical testing. Allele origin: germline.
Comment: The c.654delA pathogenic mutation, located in coding exon 4 of the PALB2 gene, results from a deletion of one nucleotide at nucleotide position 654, causing a translational frameshift with a predicted alternate stop codon (p.D219Tfs*4). This alteration is expected to result in loss of function by premature protein truncation or nonsense-mediated mRNA decay. As such, this alteration is interpreted as a disease-causing mutation.

Baylor Genetics
Classification: Pathogenic for Familial cancer of breast. Last evaluated: 2022-08-11. Review status: criteria provided, single submitter. Criteria: ACMG Guidelines, 2015. Collection method: clinical testing. Allele origin: unknown.

Color Diagnostics, LLC DBA Color Health
Classification: Pathogenic for Hereditary cancer-predisposing syndrome. Last evaluated: 2021-09-02. Review status: criteria provided, single submitter. Criteria: ACMG Guidelines, 2015. Collection method: clinical testing. Allele origin: germline.
Comment: This variant deletes 1 nucleotide in exon 4 of the PALB2 gene, creating a frameshift and premature translation stop signal. This variant is expected to result in an absent or non-functional protein product. To our knowledge, this variant has not been reported in individuals affected with hereditary cancer in the literature. This variant has been identified in 1/251346 chromosomes in the general population by the Genome Aggregation Database (gnomAD). Loss of PALB2 function is a known mechanism of disease. Based on the available evidence, this variant is classified as Pathogenic.

CZECANCA consortium
Classification: Pathogenic for Breast and/or ovarian cancer. Last evaluated: 2019-06-11. Review status: no assertion criteria provided. Collection method: clinical testing. Allele origin: germline. Affected: yes. Observed: 1 variant allele. Not counted in ClinVar's aggregate classification.

Department of Pathology and Laboratory Medicine, Sinai Health System
Classification: Pathogenic for Malignant tumor of breast. Review status: no assertion criteria provided. Collection method: clinical testing. Allele origin: unknown. Affected: yes. Study: The Canadian Open Genetics Repository (COGR). Not counted in ClinVar's aggregate classification.
Comment: The PALB2 p.Asp219ThrfsX4 variant was not identified in the literature nor was it identified in the following databases: Cosmic, MutDB, LOVD 3.0, or the Zhejiang University Database. The variant was identified in dbSNP (ID: rs587781697) as "With Pathogenic allele", ClinVar (2x, pathogenic), and the Clinvitae database. The variant was not identified in control databases: the 1000 Genomes Project, the NHLBI GO Exome Sequencing Project, the Exome Aggregation Consortium (August 8th 2016), or the Genome Aggregation Database (Feb 27, 2017). The c.654delA variant is predicted to cause a frameshift, which alters the protein's amino acid sequence beginning at codon 219 and leads to a premature stop codon at position 222. This alteration is then predicted to result in a truncated or absent protein and loss of function. Loss of function variants of the PALB2 gene are an established mechanism of disease in PALB2 associated cancers and is the type of variant expected to cause the disorder. In summary, based on the above information this variant meets our laboratoryâ€šÃ„Ã´s criteria to be classified as pathogenic.

Literature cited by the submitters: PubMed 17200668 (cited by Labcorp Genetics (formerly Invitae), Labcorp); PubMed 17200671 (cited by Labcorp Genetics (formerly Invitae), Labcorp); PubMed 17200672 (cited by Labcorp Genetics (formerly Invitae), Labcorp); PubMed 24136930 (cited by Labcorp Genetics (formerly Invitae), Labcorp); PubMed 25099575 (cited by Labcorp Genetics (formerly Invitae), Labcorp); PubMed 32295079 (cited by CZECANCA consortium).

NM_024675.4(PALB2):c.654del (p.Asp219fs)

Gene: PALB2 (partner and localizer of BRCA2; minus strand). Cytogenetic location: 16p12.2.
Variant type: Deletion.
Coding change: c.654del on transcript NM_024675.4 (MANE Select); coding-DNA position 654, one base deleted (A; older notation c.654delA).
Protein change: p.Asp219fs; shifts the reading frame from aspartic acid 219.
Molecular consequence: frameshift variant.
Genome position (GRCh38, 1-based): chr16:23,635,892, T deleted on the plus strand (A on the coding strand, the reverse complement: PALB2 is on the minus strand); the first of 2 consecutive T bases (chr16:23,635,892-23,635,893); deleting either gives the same sequence. VCF-style (leftmost placement, unchanged base first): chr16-23635891-CT-C. GRCh37 (hg19) VCF-style: chr16-23647212-CT-C.
Other names: c.654delA (NM_024675.4, NM_024675.3); short protein forms D219fs.
Identifiers: ClinVar variation 141372 (VCV000141372.28), dbSNP rs587781697, ClinGen allele CA165253.